The following is an entry in ClinVar:

NM_004360.5(CDH1):c.1481A>G (p.Glu494Gly)

Gene: CDH1 (cadherin 1; plus strand). Cytogenetic location: 16q22.1.
Variant type: single nucleotide variant.
Coding change: c.1481A>G on transcript NM_004360.5 (MANE Select); coding-DNA position 1481, A replaced by G.
Protein change: p.Glu494Gly; replaces glutamic acid 494 with glycine.
Molecular consequence: missense variant. On other transcripts: 5 prime UTR variant (2).
Genome position (GRCh38, 1-based): chr16:68,815,675, A>G. VCF-style: chr16-68815675-A-G. GRCh37 (hg19) VCF-style: chr16-68849578-A-G.
Other names: c.1481A>G (LRG_301t1); c.1298A>G, p.Glu433Gly (NM_001317184.2); c.-68A>G (NM_001317185.2); c.-339A>G (NM_001317186.2); short protein forms E494G, E433G.
Identifiers: ClinVar variation 532455 (VCV000532455.9), dbSNP rs1555516153, ClinGen allele CA396463171.

ClinVar aggregate classification (germline): Uncertain significance (1 of 4 stars; one submission).

Conditions:
Hereditary diffuse gastric adenocarcinoma (HDGC). Also called: DIFFUSE GASTRIC AND LOBULAR BREAST CANCER SYNDROME. Identifiers: Orphanet 26106, MedGen C1708349, MONDO:0007648, OMIM 137215.

Submission:

Labcorp Genetics (formerly Invitae), Labcorp
Classification: Uncertain significance for Hereditary diffuse gastric adenocarcinoma. Last evaluated: 2017-08-09. Review status: criteria provided, single submitter. Criteria: Invitae Variant Classification Sherloc (09022015). Collection method: clinical testing. Allele origin: germline.
Comment: In summary, the available evidence is currently insufficient to determine the role of this variant in disease. Therefore, it has been classified as a Variant of Uncertain Significance. Algorithms developed to predict the effect of missense changes on protein structure and function (SIFT, PolyPhen-2, Align-GVGD) all suggest that this variant is likely to be tolerated, but these predictions have not been confirmed by published functional studies and their clinical significance is uncertain. This variant has not been reported in the literature in individuals with CDH1-related disease. This variant is not present in population databases (ExAC no frequency). This sequence change replaces glutamic acid with glycine at codon 494 of the CDH1 protein (p.Glu494Gly). The glutamic acid residue is moderately conserved and there is a moderate physicochemical difference between glutamic acid and glycine.